The following is an entry in ClinVar:

NM_001085487.3(MYSM1):c.2319T>C (p.Cys773=)

Gene: MYSM1 (Myb like, SWIRM and MPN domains 1; minus strand). Cytogenetic location: 1p32.1.
Variant type: single nucleotide variant.
Coding change: c.2319T>C on transcript NM_001085487.3 (MANE Select); coding-DNA position 2319, T replaced by C.
Protein change: p.Cys773=; no amino-acid change (cysteine 773 retained).
Molecular consequence: synonymous variant.
Genome position (GRCh38, 1-based): chr1:58,661,179, A>G on the plus strand (T>C on the coding strand, the complement: MYSM1 is on the minus strand). VCF-style: chr1-58661179-A-G. GRCh37 (hg19) VCF-style: chr1-59126851-A-G.
Other names: c.2319T>C (NM_001085487.2).
Identifiers: ClinVar variation 1624888 (VCV001624888.10), dbSNP rs376987710, ClinGen allele CA877546.

ClinVar aggregate classification (germline): Likely benign. Review status: criteria provided, single submitter (1 of 4 stars). 2 submissions from 2 submitters: Likely benign (1). 1 of the submissions does not count toward it. Last evaluated 2025-12-11.

Conditions:
MYSM1-related disorder. Also called: MYSM1-related condition.

Allele frequency attached by ClinVar (database versions not stated): gnomAD exomes 0.00002 and 0.00003; ExAC 0.00003; gnomAD 0.00005; TOPMed 0.00006; ESP Exome Variant Server 0.00017.
gnomAD v4.1: 57 of 1,612,842 alleles (0.0035%); highest among the groups gnomAD compares: Non-Finnish European, 0.0042%; no homozygotes.

Submissions (2):

Labcorp Genetics (formerly Invitae), Labcorp
Classification: Likely benign. Last evaluated: 2025-12-11. Review status: criteria provided, single submitter. Criteria: Invitae Variant Classification Sherloc (09022015). Collection method: clinical testing. Allele origin: germline.

PreventionGenetics, part of Exact Sciences
Classification: Likely benign for MYSM1-related condition. Last evaluated: 2022-05-17. Review status: no assertion criteria provided. Collection method: clinical testing. Allele origin: germline. Not counted in ClinVar's aggregate classification.
Comment: This variant is classified as likely benign based on ACMG/AMP sequence variant interpretation guidelines (Richards et al. 2015 PMID: 25741868, with internal and published modifications).